The following is an entry in ClinVar:

ClinVar aggregate classification (germline): Uncertain significance (1 of 4 stars; one submission).

Conditions:
Congenital contractural arachnodactyly (CCA). Also called: Beals-Hecht syndrome; BEALS SYNDROME; Arthrogryposis, distal, type 9. Identifiers: Orphanet 115, MedGen C0220668, MONDO:0007363, OMIM 121050.

gnomAD v4.1: 5 of 1,614,012 alleles (0.00031%); highest among the groups gnomAD compares: East Asian, 0.0045%; no homozygotes.

Submission:

Labcorp Genetics (formerly Invitae), Labcorp
Classification: Uncertain significance for Congenital contractural arachnodactyly. Last evaluated: 2025-06-26. Review status: criteria provided, single submitter. Criteria: Invitae Variant Classification Sherloc (09022015). Collection method: clinical testing. Allele origin: germline.
Comment: This sequence change replaces serine, which is neutral and polar, with proline, which is neutral and non-polar, at codon 1226 of the FBN2 protein (p.Ser1226Pro). This variant is not present in population databases (gnomAD no frequency). This variant has not been reported in the literature in individuals affected with FBN2-related conditions. Invitae Evidence Modeling of protein sequence and biophysical properties (such as structural, functional, and spatial information, amino acid conservation, physicochemical variation, residue mobility, and thermodynamic stability) indicates that this missense variant is not expected to disrupt FBN2 protein function with a negative predictive value of 80%. In summary, the available evidence is currently insufficient to determine the role of this variant in disease. Therefore, it has been classified as a Variant of Uncertain Significance.

NM_001999.4(FBN2):c.3676T>C (p.Ser1226Pro)

Gene: FBN2 (fibrillin 2; minus strand). Cytogenetic location: 5q23.3.
Variant type: single nucleotide variant.
Coding change: c.3676T>C on transcript NM_001999.4 (MANE Select); coding-DNA position 3676, T replaced by C.
Protein change: p.Ser1226Pro; replaces serine 1226 with proline.
Molecular consequence: missense variant.
Genome position (GRCh38, 1-based): chr5:128,336,036, A>G on the plus strand (T>C on the coding strand, the complement: FBN2 is on the minus strand). VCF-style: chr5-128336036-A-G. GRCh37 (hg19) VCF-style: chr5-127671728-A-G.
Other names: short protein forms S1226P.
Identifiers: ClinVar variation 4767523 (VCV004767523.1).